The following is an entry in ClinVar:

ClinVar aggregate classification (germline): Pathogenic (1 of 4 stars; one submission).

Submission:

Labcorp Genetics (formerly Invitae), Labcorp
Classification: Pathogenic. Last evaluated: 2022-08-16. Review status: criteria provided, single submitter. Criteria: Invitae Variant Classification Sherloc (09022015). Collection method: clinical testing. Allele origin: germline.
Comment: For these reasons, this variant has been classified as Pathogenic. This variant disrupts a region of the CNGA1 protein in which other variant(s) (p.Arg658Aspfs*2) have been determined to be pathogenic (PMID: 7479749, 24265693). This suggests that this is a clinically significant region of the protein, and that variants that disrupt it are likely to be disease-causing. This variant has not been reported in the literature in individuals affected with CNGA1-related conditions. This variant is not present in population databases (gnomAD no frequency). This sequence change creates a premature translational stop signal (p.Thr221Lysfs*4) in the CNGA1 gene. While this is not anticipated to result in nonsense mediated decay, it is expected to disrupt the last 470 amino acid(s) of the CNGA1 protein.

Literature cited by the submitters: PubMed 7479749; PubMed 24265693.

NM_001379270.1(CNGA1):c.650del (p.Thr217fs)

Genes: CNGA1 (cyclic nucleotide gated channel subunit alpha 1; minus strand), LOC101927157 (uncharacterized LOC101927157; plus strand). Cytogenetic location: 4p12.
Variant type: Deletion.
Coding change: c.650del on transcript NM_001379270.1 (MANE Select); coding-DNA position 650, one base deleted (C; older notation c.650delC).
Protein change: p.Thr217fs; shifts the reading frame from threonine 217.
Molecular consequence: frameshift variant.
Genome position (GRCh38, 1-based): chr4:47,940,765, G deleted on the plus strand (C on the coding strand, the reverse complement: CNGA1 is on the minus strand). VCF-style (leftmost placement, unchanged base first): chr4-47940764-TG-T. GRCh37 (hg19) VCF-style: chr4-47942781-TG-T.
Other names: c.650del, p.Thr217fs (NM_000087.5, NM_001142564.2); c.662delC, p.Thr221Lysfs (NM_001375386.1); short protein forms T217fs.
Identifiers: ClinVar variation 2115312 (VCV002115312.4), dbSNP rs2475768323, ClinGen allele CA2578081570.